The following is an entry in ClinVar:

ClinVar aggregate classification (germline): Uncertain significance. Review status: criteria provided, multiple submitters, no conflicts (2 of 4 stars). 2 submissions from 2 submitters: Uncertain significance (2). Last evaluated 2023-09-22.

Conditions:
Inborn genetic diseases. Identifiers: MedGen C0950123, MeSH D030342.

Allele frequency attached by ClinVar (database versions not stated): TOPMed below 0.00001; gnomAD 0.00001.
gnomAD v4.1: 25 of 1,612,444 alleles (0.0016%); highest among the groups gnomAD compares: Non-Finnish European, 0.002%; no homozygotes.

Submissions (2):

Ambry Genetics
Classification: Uncertain significance for Inborn genetic diseases. Last evaluated: 2023-09-22. Review status: criteria provided, single submitter. Criteria: Ambry Variant Classification Scheme 2023. Collection method: clinical testing. Allele origin: germline.

Labcorp Genetics (formerly Invitae), Labcorp
Classification: Uncertain significance. Last evaluated: 2021-08-31. Review status: criteria provided, single submitter. Criteria: Invitae Variant Classification Sherloc (09022015). Collection method: clinical testing. Allele origin: germline.
Comment: This sequence change replaces isoleucine with methionine at codon 3183 of the USH2A protein (p.Ile3183Met). The isoleucine residue is weakly conserved and there is a small physicochemical difference between isoleucine and methionine. This variant is not present in population databases (ExAC no frequency). This variant has not been reported in the literature in individuals affected with USH2A-related conditions. Algorithms developed to predict the effect of missense changes on protein structure and function output the following: SIFT: "Tolerated"; PolyPhen-2: "Benign"; Align-GVGD: "Class C0". The methionine amino acid residue is found in multiple mammalian species, which suggests that this missense change does not adversely affect protein function. In summary, the available evidence is currently insufficient to determine the role of this variant in disease. Therefore, it has been classified as a Variant of Uncertain Significance.

NM_206933.4(USH2A):c.9549T>G (p.Ile3183Met)

Gene: USH2A (usherin; minus strand). Cytogenetic location: 1q41.
Variant type: single nucleotide variant.
Coding change: c.9549T>G on transcript NM_206933.4 (MANE Select); coding-DNA position 9549, T replaced by G.
Protein change: p.Ile3183Met; replaces isoleucine 3183 with methionine.
Molecular consequence: missense variant.
Genome position (GRCh38, 1-based): chr1:215,817,018, A>C on the plus strand (T>G on the coding strand, the complement: USH2A is on the minus strand). VCF-style: chr1-215817018-A-C. GRCh37 (hg19) VCF-style: chr1-215990360-A-C.
Other names: c.9549T>G (NM_206933.2); short protein forms I3183M.
Identifiers: ClinVar variation 1416761 (VCV001416761.6), dbSNP rs1467970535, ClinGen allele CA344824096.